The following is an entry in ClinVar:

NM_004364.5(CEBPA):c.63C>A (p.Ser21Arg)

Gene: CEBPA (CCAAT enhancer binding protein alpha; minus strand). Cytogenetic location: 19q13.11.
Variant type: single nucleotide variant.
Coding change: c.63C>A on transcript NM_004364.5 (MANE Select); coding-DNA position 63, C replaced by A.
Protein change: p.Ser21Arg; replaces serine 21 with arginine.
Molecular consequence: missense variant. On other transcripts: 5 prime UTR variant (1).
Genome position (GRCh38, 1-based): chr19:33,302,352, G>T on the plus strand (C>A on the coding strand, the complement: CEBPA is on the minus strand). VCF-style: chr19-33302352-G-T. GRCh37 (hg19) VCF-style: chr19-33793258-G-T.
Other names: c.-295C>A (NM_001285829.2); c.168C>A, p.Ser56Arg (NM_001287424.2); c.21C>A, p.Ser7Arg (NM_001287435.2); short protein forms S21R, S7R, S56R.
Identifiers: ClinVar variation 408744 (VCV000408744.14), dbSNP rs867113214, ClinGen allele CA16616044.

ClinVar aggregate classification (germline): Conflicting classifications of pathogenicity. Review status: criteria provided, conflicting classifications (1 of 4 stars). 5 submissions from 5 submitters: Uncertain significance (4); Likely benign (1). Last evaluated 2025-09-02.

Conditions:
Inborn genetic diseases. Identifiers: MedGen C0950123, MeSH D030342.
Hereditary cancer-predisposing syndrome. Also called: Hereditary Cancer Syndrome; Tumor predisposition; Neoplastic Syndromes, Hereditary; Hereditary neoplastic syndrome. Identifiers: Orphanet 140162, MedGen C0027672, MeSH D009386, MONDO:0015356.
Acute myeloid leukemia (AML). Also called: Leukemia, acute myeloid, somatic; Leukemia, acute myelogenous, somatic; Acute myeloid leukemia, adult; AML adult; Acute non-lymphocytic leukemia; Acute granulocytic leukemia. Identifiers: Orphanet 519, MedGen C0023467, MeSH D015470, MONDO:0018874, OMIM 601626, HP:0004808. Disease mechanism: Constitutively activated FLT3.

Allele frequency attached by ClinVar (database versions not stated): TOPMed 0.00001.
gnomAD v4.1: 28 of 1,340,604 alleles (0.0021%); highest among the groups gnomAD compares: Admixed American, 0.0082%; no homozygotes.

Submissions (5):

Labcorp Genetics (formerly Invitae), Labcorp
Classification: Uncertain significance for Acute myeloid leukemia. Last evaluated: 2025-09-02. Review status: criteria provided, single submitter. Criteria: Invitae Variant Classification Sherloc (09022015). Collection method: clinical testing. Allele origin: germline.
Comment: This sequence change replaces serine, which is neutral and polar, with arginine, which is basic and polar, at codon 21 of the CEBPA protein (p.Ser21Arg). This variant is not present in population databases (gnomAD no frequency). This variant has not been reported in the literature in individuals affected with CEBPA-related conditions. ClinVar contains an entry for this variant (Variation ID: 408744). Invitae Evidence Modeling of protein sequence and biophysical properties (such as structural, functional, and spatial information, amino acid conservation, physicochemical variation, residue mobility, and thermodynamic stability) indicates that this missense variant is not expected to disrupt CEBPA protein function with a negative predictive value of 80%. In summary, the available evidence is currently insufficient to determine the role of this variant in disease. Therefore, it has been classified as a Variant of Uncertain Significance.

Ambry Genetics
Classification: Likely benign for Inborn genetic diseases. Last evaluated: 2024-12-09. Review status: criteria provided, single submitter. Criteria: Ambry Variant Classification Scheme 2023. Collection method: clinical testing. Allele origin: germline.

Baylor Genetics
Classification: Uncertain significance for Acute myeloid leukemia. Last evaluated: 2024-03-24. Review status: criteria provided, single submitter. Criteria: ACMG Guidelines, 2015. Collection method: clinical testing. Allele origin: unknown.

Sema4
Classification: Uncertain significance for Hereditary cancer-predisposing syndrome. Last evaluated: 2021-10-30. Review status: criteria provided, single submitter. Criteria: Sema4 Curation Guidelines. Collection method: curation. Allele origin: germline.
Comment: The CEBPA c.63C>A (p.S21R) variant has not been reported in the literature to our knowledge. It was not observed in the large and broad cohorts of the Genome Aggregation Database (PMID: 32461654). This variant has been reported in ClinVar (Variation ID: 408744). Functional studies have not been performed, and in silico predictions of the variant's effect on protein function are inconclusive. The evidence is insufficient to meet ACMG/AMP criteria for classifying the variant as benign or pathogenic. Thus, the clinical significance of this variant is currently uncertain.

Fulgent Genetics
Classification: Uncertain significance for Acute myeloid leukemia. Last evaluated: 2018-10-31. Review status: criteria provided, single submitter. Criteria: ACMG Guidelines, 2015. Collection method: clinical testing. Allele origin: unknown.